The following is an entry in ClinVar:

NM_013391.3(DMGDH):c.898C>T (p.Leu300Phe)

Gene: DMGDH (dimethylglycine dehydrogenase; minus strand). Cytogenetic location: 5q14.1.
Variant type: single nucleotide variant.
Coding change: c.898C>T on transcript NM_013391.3 (MANE Select); coding-DNA position 898, C replaced by T.
Protein change: p.Leu300Phe; replaces leucine 300 with phenylalanine.
Molecular consequence: missense variant. On other transcripts: non-coding transcript variant (1).
Genome position (GRCh38, 1-based): chr5:79,044,400, G>A on the plus strand (C>T on the coding strand, the complement: DMGDH is on the minus strand). VCF-style: chr5-79044400-G-A. GRCh37 (hg19) VCF-style: chr5-78340223-G-A.
Other names: short protein forms L300F.
Identifiers: ClinVar variation 377777 (VCV000377777.27), dbSNP rs145258663, ClinGen allele CA3318859.

ClinVar aggregate classification (germline): Benign/Likely benign. Review status: criteria provided, multiple submitters, no conflicts (2 of 4 stars). 4 submissions from 4 submitters: Benign (2); Likely benign (1). 1 of the submissions does not count toward it. Last evaluated 2022-03-01.

Conditions:
DMGDH-related disorder. Also called: DMGDH-related condition.

Allele frequency attached by ClinVar (database versions not stated): 1000 Genomes Project 0.00160; 1000 Genomes Project 30x 0.00172; TOPMed 0.00382; gnomAD 0.00413 and 0.00421; ExAC 0.00437; gnomAD exomes 0.00478 and 0.00506; ESP Exome Variant Server 0.00507.
gnomAD v4.1: 8,088 of 1,614,178 alleles (0.5%); highest among the groups gnomAD compares: Non-Finnish European, 0.51%; 46 homozygotes.

Submissions (4):

CeGaT Center for Human Genetics Tuebingen
Classification: Likely benign. Last evaluated: 2022-03-01. Review status: criteria provided, single submitter. Criteria: CeGaT Center For Human Genetics Tuebingen Variant Classification Criteria Version 2. Collection method: clinical testing. Allele origin: germline. Affected: yes. Observed: 1 variant allele.
Comment: DMGDH: BS1

GeneDx
Classification: Benign. Last evaluated: 2018-02-12. Review status: criteria provided, single submitter. Criteria: GeneDx Variant Classification (06012015). Collection method: clinical testing. Allele origin: germline. Affected: yes.
Comment: This variant is considered likely benign or benign based on one or more of the following criteria: it is a conservative change, it occurs at a poorly conserved position in the protein, it is predicted to be benign by multiple in silico algorithms, and/or has population frequency not consistent with disease.

Breakthrough Genomics
Classification: Benign. Review status: criteria provided, single submitter. Criteria: ACMG Guidelines, 2015. Collection method: not provided. Allele origin: germline. Inheritance: Autosomal recessive inheritance. Affected: yes.

PreventionGenetics, part of Exact Sciences
Classification: Benign for DMGDH-related condition. Last evaluated: 2021-01-02. Review status: no assertion criteria provided. Collection method: clinical testing. Allele origin: germline. Not counted in ClinVar's aggregate classification.
Comment: This variant is classified as benign based on ACMG/AMP sequence variant interpretation guidelines (Richards et al. 2015 PMID: 25741868, with internal and published modifications).